The following is an entry in ClinVar:

NM_001244008.2(KIF1A):c.2195G>A (p.Arg732Gln)

Gene: KIF1A (kinesin family member 1A; minus strand). Cytogenetic location: 2q37.3.
Variant type: single nucleotide variant.
Coding change: c.2195G>A on transcript NM_001244008.2 (MANE Select); coding-DNA position 2195, G replaced by A.
Protein change: p.Arg732Gln; replaces arginine 732 with glutamine.
Molecular consequence: missense variant.
Genome position (GRCh38, 1-based): chr2:240,761,299, C>T on the plus strand (G>A on the coding strand, the complement: KIF1A is on the minus strand). VCF-style: chr2-240761299-C-T. GRCh37 (hg19) VCF-style: chr2-241700716-C-T.
Other names: c.2195G>A, p.Arg732Gln (NM_001320705.2, NM_001330289.2, NM_001379638.1); c.2270G>A, p.Arg757Gln (NM_001330290.2, NM_001379631.1, NM_001379634.1 and 2 more transcripts); c.2168G>A, p.Arg723Gln (NM_001379632.1, NM_001379633.1, NM_001379636.1 and 10 more transcripts); c.2243G>A, p.Arg748Gln (NM_001379637.1, NM_001379648.1); short protein forms R748Q, R723Q, R732Q, R757Q.
Identifiers: ClinVar variation 1374566 (VCV001374566.6), dbSNP rs2050497130, ClinGen allele CA351325462.

ClinVar aggregate classification (germline): Uncertain significance (1 of 4 stars; one submission).

Conditions:
Hereditary spastic paraplegia 30. Identifiers: Orphanet 101010, MedGen C5235139, MONDO:0012476.
Neuropathy, hereditary sensory, type 2C. Also called: Hereditary sensory and autonomic neuropathy type IIC; KIF1A-Related HSAN2 (HSAN2C). Identifiers: Orphanet 970, MedGen C3280168, MONDO:0013634, OMIM 614213.
Intellectual disability, autosomal dominant 9 (NESCAVS). Also called: NESCAV SYNDROME; KIF1A-Related Neurodevelopmental Disorder. Identifiers: Orphanet 662367, MedGen C5393830, MONDO:0013656, OMIM 614255.

Allele frequency attached by ClinVar (database versions not stated): gnomAD exomes below 0.00001; TOPMed below 0.00001.
gnomAD v4.1: 1 of 1,613,916 alleles (0.000062%); highest among the groups gnomAD compares: South Asian, 0.0011%; no homozygotes.

Submission:

Labcorp Genetics (formerly Invitae), Labcorp
Classification: Uncertain significance for Hereditary spastic paraplegia 30; Neuropathy, hereditary sensory, type 2C; Intellectual disability, autosomal dominant 9. Last evaluated: 2021-08-12. Review status: criteria provided, single submitter. Criteria: Invitae Variant Classification Sherloc (09022015). Collection method: clinical testing. Allele origin: germline.
Comment: In summary, the available evidence is currently insufficient to determine the role of this variant in disease. Therefore, it has been classified as a Variant of Uncertain Significance. Algorithms developed to predict the effect of sequence changes on RNA splicing suggest that this variant may create or strengthen a splice site. Advanced modeling of protein sequence and biophysical properties (such as structural, functional, and spatial information, amino acid conservation, physicochemical variation, residue mobility, and thermodynamic stability) performed at Invitae indicates that this missense variant is expected to disrupt KIF1A protein function. This variant has not been reported in the literature in individuals affected with KIF1A-related conditions. This variant is not present in population databases (ExAC no frequency). This sequence change replaces arginine with glutamine at codon 723 of the KIF1A protein (p.Arg723Gln). The arginine residue is highly conserved and there is a small physicochemical difference between arginine and glutamine.